The following is an entry in ClinVar:

ClinVar aggregate classification (germline): Pathogenic. Review status: criteria provided, multiple submitters, no conflicts (2 of 4 stars). 4 submissions from 4 submitters: Pathogenic (4). Last evaluated 2024-12-18.

Conditions:
Hyperinsulinism-hyperammonemia syndrome (HHF6). Identifiers: Orphanet 35878, MedGen C1847555, MONDO:0011717, OMIM 606762.

Submissions (4):

Genomic Medicine Center of Excellence, King Faisal Specialist Hospital and Research Centre
Classification: Pathogenic for Hyperinsulinism-hyperammonemia syndrome. Last evaluated: 2024-12-18. Review status: criteria provided, single submitter. Criteria: ACMG Guidelines, 2015. Collection method: clinical testing. Allele origin: germline.

Labcorp Genetics (formerly Invitae), Labcorp
Classification: Pathogenic for Hyperinsulinism-hyperammonemia syndrome. Last evaluated: 2024-10-07. Review status: criteria provided, single submitter. Criteria: Invitae Variant Classification Sherloc (09022015). Collection method: clinical testing. Allele origin: germline.
Comment: This sequence change replaces glycine, which is neutral and non-polar, with valine, which is neutral and non-polar, at codon 499 of the GLUD1 protein (p.Gly499Val). This variant is not present in population databases (gnomAD no frequency). This missense change has been observed in individual(s) with familial hyperinsulinism (PMID: 10871207, 35951311). In at least one individual the variant was observed to be de novo. This variant is also known as GDH-G446V. ClinVar contains an entry for this variant (Variation ID: 226111). An algorithm developed to predict the effect of missense changes on protein structure and function (PolyPhen-2) suggests that this variant is likely to be disruptive. Experimental studies have shown that this missense change affects GLUD1 function (PMID: 32143698). This variant disrupts the p.Gly499 amino acid residue in GLUD1. Other variant(s) that disrupt this residue have been observed in individuals with GLUD1-related conditions (PMID: 9571255, 10871207, 18928469, 19046187, 30352420), which suggests that this may be a clinically significant amino acid residue. For these reasons, this variant has been classified as Pathogenic.

Laboratoire de Génétique Moléculaire, CHU Bordeaux
Classification: Pathogenic for Hyperinsulinism-hyperammonemia syndrome. Last evaluated: 2024-04-10. Review status: criteria provided, single submitter. Criteria: ACMG Guidelines, 2015. Collection method: clinical testing. Allele origin: germline. Affected: yes.

Center of Genomic medicine, Geneva, University Hospital of Geneva
Classification: Pathogenic for Hyperinsulinism-hyperammonemia syndrome. Last evaluated: 2016-02-22. Review status: criteria provided, single submitter. Criteria: ACMG Guidelines, 2015. Collection method: clinical testing. Allele origin: de novo. Affected: yes.
Comment: Pathogenic mutations in the GLUD1 gene are known to cause the hyperinsulinism-hyperammonemia syndrome. Another variant in the same codon (p.(Gly499Ser)) has been reported to cause the same pathology.

Literature cited by the submitters: PubMed 10871207 (cited by Labcorp Genetics (formerly Invitae), Labcorp); PubMed 35951311 (cited by Labcorp Genetics (formerly Invitae), Labcorp); PubMed 32143698 (cited by Labcorp Genetics (formerly Invitae), Labcorp); PubMed 9571255 (cited by Labcorp Genetics (formerly Invitae), Labcorp); PubMed 18928469 (cited by Labcorp Genetics (formerly Invitae), Labcorp); PubMed 19046187 (cited by Labcorp Genetics (formerly Invitae), Labcorp); PubMed 30352420 (cited by Labcorp Genetics (formerly Invitae), Labcorp).

NM_005271.5(GLUD1):c.1496G>T (p.Gly499Val)

Gene: GLUD1 (glutamate dehydrogenase 1; minus strand). Cytogenetic location: 10q23.2.
Variant type: single nucleotide variant.
Coding change: c.1496G>T on transcript NM_005271.5 (MANE Select); coding-DNA position 1496, G replaced by T.
Protein change: p.Gly499Val; replaces glycine 499 with valine.
Molecular consequence: missense variant.
Genome position (GRCh38, 1-based): chr10:87,053,403, C>A on the plus strand (G>T on the coding strand, the complement: GLUD1 is on the minus strand). VCF-style: chr10-87053403-C-A. GRCh37 (hg19) VCF-style: chr10-88813160-C-A.
Other names: c.1097G>T, p.Gly366Val (NM_001318900.1); c.995G>T, p.Gly332Val (NM_001318901.1, NM_001318902.1, NM_001318904.2 and 2 more transcripts); short protein forms G499V, G332V, G366V.
Identifiers: ClinVar variation 226111 (VCV000226111.6), dbSNP rs121909734, ClinGen allele CA10576251.